The following is an entry in ClinVar:

NM_000170.3(GLDC):c.1014A>G (p.Glu338=)

Gene: GLDC (glycine decarboxylase; minus strand). Cytogenetic location: 9p24.1.
Variant type: single nucleotide variant.
Coding change: c.1014A>G on transcript NM_000170.3 (MANE Select); coding-DNA position 1014, A replaced by G.
Protein change: p.Glu338=; no amino-acid change (glutamic acid 338 retained).
Molecular consequence: synonymous variant.
Genome position (GRCh38, 1-based): chr9:6,604,632, T>C on the plus strand (A>G on the coding strand, the complement: GLDC is on the minus strand). VCF-style: chr9-6604632-T-C. GRCh37 (hg19) VCF-style: chr9-6604632-T-C.
Identifiers: ClinVar variation 1111509 (VCV001111509.11), dbSNP rs764153656, ClinGen allele CA4980899.
Genomic context (GRCh38, chr9:6,604,632, plus strand): 5'-ACATGAGCCCCTTTACCTTGTTACCCCCACCATTCTTCCAGGCATCATTCTCACCAAGCT[T>C]TCTCGGACAGCAAAAAATGCTGCATGGGGTCCCCCATAGCCCAGTGGCACTCCAAATCTC-3'
Protein context (NP_000161.2, residues 328-348): GPHAAFFAVR[Glu338=]SLVRMMPGRM

ClinVar aggregate classification (germline): Likely benign. Review status: criteria provided, multiple submitters, no conflicts (2 of 4 stars). 2 submissions from 2 submitters: Likely benign (2). Last evaluated 2026-05-01.

Conditions:
Glycine encephalopathy. Also called: Non-ketotic hyperglycinemia; Nonketotic hyperglycinemia. Identifiers: Orphanet 407, MedGen C0751748, MONDO:0011612, HP:0008288.

Allele frequency attached by ClinVar (database versions not stated): ExAC 0.00002; gnomAD 0.00002; gnomAD exomes 0.00002 and 0.00004; TOPMed 0.00003.
gnomAD v4.1: 41 of 1,613,330 alleles (0.0025%); highest among the groups gnomAD compares: Middle Eastern, 0.054%; 1 homozygote.

Submissions (2):

CeGaT Center for Human Genetics Tuebingen
Classification: Likely benign. Last evaluated: 2026-05-01. Review status: criteria provided, single submitter. Criteria: CeGaT Center For Human Genetics Tuebingen Variant Classification Criteria Version 2. Collection method: clinical testing. Allele origin: germline. Affected: yes. Observed: 1 variant allele.
Comment: GLDC: BP4, BP7

Labcorp Genetics (formerly Invitae), Labcorp
Classification: Likely benign for Glycine encephalopathy. Last evaluated: 2026-01-18. Review status: criteria provided, single submitter. Criteria: Invitae Variant Classification Sherloc (09022015). Collection method: clinical testing. Allele origin: germline.